The following is an entry in ClinVar:

ClinVar aggregate classification (germline): Uncertain significance (1 of 4 stars; one submission).

Submission:

CeGaT Center for Human Genetics Tuebingen
Classification: Uncertain significance. Last evaluated: 2025-12-01. Review status: criteria provided, single submitter. Criteria: CeGaT Center For Human Genetics Tuebingen Variant Classification Criteria Version 2. Collection method: clinical testing. Allele origin: germline. Affected: yes. Observed: 1 variant allele.
Comment: ACTC1: PM2, PP2, PP3

NM_005159.5(ACTC1):c.956T>C (p.Ile319Thr)

Genes: ACTC1 (actin alpha cardiac muscle 1; minus strand), GJD2-DT (GJD2 divergent transcript; plus strand). Cytogenetic location: 15q14.
Variant type: single nucleotide variant.
Coding change: c.956T>C on transcript NM_005159.5 (MANE Select); coding-DNA position 956, T replaced by C.
Protein change: p.Ile319Thr; replaces isoleucine 319 with threonine.
Molecular consequence: missense variant.
Genome position (GRCh38, 1-based): chr15:34,791,148, A>G on the plus strand (T>C on the coding strand, the complement: ACTC1 is on the minus strand). VCF-style: chr15-34791148-A-G. GRCh37 (hg19) VCF-style: chr15-35083349-A-G.
Other names: c.956T>C, p.Ile319Thr (NM_001406482.1, NM_001406483.1); c.821T>C, p.Ile274Thr (NM_001406484.1); c.515T>C, p.Ile172Thr (NM_001406485.1); short protein forms I172T, I274T, I319T.
Identifiers: ClinVar variation 4682086 (VCV004682086.5).